The following is an entry in ClinVar:

NM_000051.4(ATM):c.1001C>G (p.Ser334Ter)

Gene: ATM (ATM serine/threonine kinase; plus strand). Cytogenetic location: 11q22.3.
Variant type: single nucleotide variant.
Coding change: c.1001C>G on transcript NM_000051.4 (MANE Select); coding-DNA position 1001, C replaced by G.
Protein change: p.Ser334Ter; replaces serine 334 with a stop codon.
Molecular consequence: nonsense.
Genome position (GRCh38, 1-based): chr11:108,247,063, C>G. VCF-style: chr11-108247063-C-G. GRCh37 (hg19) VCF-style: chr11-108117790-C-G.
Other names: c.1001C>G, p.Ser334Ter (NM_001351834.2); short protein forms S334*.
Identifiers: ClinVar variation 1769019 (VCV001769019.8), dbSNP rs2079885893, ClinGen allele CA382531355.

ClinVar aggregate classification (germline): Pathogenic. Review status: criteria provided, multiple submitters, no conflicts (2 of 4 stars). 3 submissions from 3 submitters: Pathogenic (3). Last evaluated 2024-04-05.

Conditions:
Hereditary cancer-predisposing syndrome. Also called: Tumor predisposition; Neoplastic Syndromes, Hereditary; Hereditary Cancer Syndrome; Hereditary neoplastic syndrome. Identifiers: Orphanet 140162, MedGen C0027672, MeSH D009386, MONDO:0015356.
Ataxia-telangiectasia syndrome (AT). Also called: LOUIS-BAR SYNDROME; Cerebello-oculocutaneous telangiectasia; Immunodeficiency with ataxia telangiectasia; Ataxia-telangiectasia, complementation group D; AT, COMPLEMENTATION GROUP C; ATAXIA-TELANGIECTASIA, COMPLEMENTATION GROUP A. Identifiers: Orphanet 100, MedGen C0004135, MONDO:0008840, OMIM 208900.
Familial cancer of breast. Also called: BREAST CANCER, FAMILIAL; Hereditary breast cancer; hereditary breast carcinoma. Identifiers: Orphanet 227535, MedGen C0346153, MONDO:0016419, OMIM 114480. Disease mechanism: loss of function.

Allele frequency attached by ClinVar (database versions not stated): TOPMed below 0.00001.

Submissions (3):

Ambry Genetics
Classification: Pathogenic for Hereditary cancer-predisposing syndrome. Last evaluated: 2024-04-05. Review status: criteria provided, single submitter. Criteria: Ambry Variant Classification Scheme 2023. Collection method: clinical testing. Allele origin: germline.
Comment: The p.S334* pathogenic mutation (also known as c.1001C>G), located in coding exon 7 of the ATM gene, results from a C to G substitution at nucleotide position 1001. This changes the amino acid from a serine to a stop codon within coding exon 7. This alteration is expected to result in loss of function by premature protein truncation or nonsense-mediated mRNA decay. As such, this alteration is interpreted as a disease-causing mutation.

Myriad Genetics, Inc.
Classification: Pathogenic for Familial cancer of breast. Last evaluated: 2024-01-11. Review status: criteria provided, single submitter. Criteria: Myriad Autosomal Dominant, Autosomal Recessive and X-Linked Classification Criteria (2023). Collection method: clinical testing. Allele origin: unknown.
Comment: This variant is considered pathogenic. This variant creates a termination codon and is predicted to result in premature protein truncation.

Labcorp Genetics (formerly Invitae), Labcorp
Classification: Pathogenic for Ataxia-telangiectasia syndrome. Last evaluated: 2022-09-19. Review status: criteria provided, single submitter. Criteria: Invitae Variant Classification Sherloc (09022015). Collection method: clinical testing. Allele origin: germline.
Comment: This sequence change creates a premature translational stop signal (p.Ser334*) in the ATM gene. It is expected to result in an absent or disrupted protein product. Loss-of-function variants in ATM are known to be pathogenic (PMID: 23807571, 25614872). This variant is not present in population databases (gnomAD no frequency). This variant has not been reported in the literature in individuals affected with ATM-related conditions. Algorithms developed to predict the effect of sequence changes on RNA splicing suggest that this variant may disrupt the consensus splice site. For these reasons, this variant has been classified as Pathogenic.

Literature cited by the submitters: PubMed 23807571 (cited by Labcorp Genetics (formerly Invitae), Labcorp); PubMed 25614872 (cited by Labcorp Genetics (formerly Invitae), Labcorp).